The following is an entry in ClinVar:

NM_138691.3(TMC1):c.472C>T (p.Arg158Cys)

Gene: TMC1 (transmembrane channel like 1; plus strand). Cytogenetic location: 9q21.13.
Variant type: single nucleotide variant.
Coding change: c.472C>T on transcript NM_138691.3 (MANE Select); coding-DNA position 472, C replaced by T.
Protein change: p.Arg158Cys; replaces arginine 158 with cysteine.
Molecular consequence: missense variant.
Genome position (GRCh38, 1-based): chr9:72,742,462, C>T. VCF-style: chr9-72742462-C-T. GRCh37 (hg19) VCF-style: chr9-75357378-C-T.
Other names: short protein forms R158C.
Identifiers: ClinVar variation 505053 (VCV000505053.10), dbSNP rs200841002, ClinGen allele CA5081691.

ClinVar aggregate classification (germline): Uncertain significance. Review status: criteria provided, multiple submitters, no conflicts (2 of 4 stars). 4 submissions from 4 submitters: Uncertain significance (4). Last evaluated 2026-09-25.

Conditions:
TMC1-related disorder. Also called: TMC1-related condition; TMC1-related disorders.

Allele frequency attached by ClinVar (database versions not stated): ExAC 0.00007; gnomAD exomes 0.00008 and 0.00021; TOPMed 0.00009; gnomAD 0.00005 and 0.00006.
gnomAD v4.1: 305 of 1,613,864 alleles (0.019%); highest among the groups gnomAD compares: Non-Finnish European, 0.025%; no homozygotes.

Submissions (4):

PreventionGenetics, part of Exact Sciences
Classification: Uncertain significance for TMC1-related condition. Last evaluated: 2026-09-25. Review status: criteria provided, single submitter. Criteria: ACMG Guidelines, 2015. Collection method: clinical testing. Allele origin: germline.
Comment: The TMC1 c.472C>T variant is predicted to result in the amino acid substitution p.Arg158Cys. To our knowledge, this variant has not been reported in the literature. This variant is reported in 0.015% of alleles in individuals of European (Non-Finnish) descent in gnomAD. At this time, the clinical significance of this variant is uncertain due to the absence of conclusive functional and genetic evidence.

Labcorp Genetics (formerly Invitae), Labcorp
Classification: Uncertain significance. Last evaluated: 2025-07-13. Review status: criteria provided, single submitter. Criteria: Invitae Variant Classification Sherloc (09022015). Collection method: clinical testing. Allele origin: germline.
Comment: This sequence change replaces arginine, which is basic and polar, with cysteine, which is neutral and slightly polar, at codon 158 of the TMC1 protein (p.Arg158Cys). This variant is present in population databases (rs200841002, gnomAD 0.02%). This variant has not been reported in the literature in individuals affected with TMC1-related conditions. ClinVar contains an entry for this variant (Variation ID: 505053). Invitae Evidence Modeling of protein sequence and biophysical properties (such as structural, functional, and spatial information, amino acid conservation, physicochemical variation, residue mobility, and thermodynamic stability) has been performed for this missense variant. However, the output from this modeling did not meet the statistical confidence thresholds required to predict the impact of this variant on TMC1 protein function. In summary, the available evidence is currently insufficient to determine the role of this variant in disease. Therefore, it has been classified as a Variant of Uncertain Significance.

GeneDx
Classification: Uncertain significance. Last evaluated: 2020-01-13. Review status: criteria provided, single submitter. Criteria: GeneDx Variant Classification Process June 2021. Collection method: clinical testing. Allele origin: germline. Affected: yes.
Comment: In silico analysis, which includes protein predictors and evolutionary conservation, supports a deleterious effect; Has not been previously published as pathogenic or benign to our knowledge

Laboratory for Molecular Medicine, Mass General Brigham Personalized Medicine
Classification: Uncertain significance. Last evaluated: 2016-06-30. Review status: criteria provided, single submitter. Criteria: LMM Criteria. Collection method: clinical testing. Allele origin: germline. Observed: 3 variant alleles.
Comment: This variant has also been identified in 19/126642 European chromosomes by the Genome Aggregation Dat abase (gnomAD; dbSNP rs200841002). Although th is variant has been seen in the general population, its frequency is not high en ough to rule out a pathogenic role. Computational prediction tools and conservat ion analyses suggest that this variant may impact the protein, though this infor mation is not predictive enough to determine pathogenicity. In summary, the clin ical significance of the p.Arg158Cys variant is uncertain.